The following is an entry in ClinVar:

ClinVar aggregate classification (germline): Uncertain significance (1 of 4 stars; one submission).

Allele frequency attached by ClinVar (database versions not stated): ExAC 0.00001; gnomAD 0.00001; gnomAD exomes 0.00001; ESP Exome Variant Server 0.00008.
gnomAD v4.1: 21 of 1,614,078 alleles (0.0013%); highest among the groups gnomAD compares: Non-Finnish European, 0.0017%; no homozygotes.

Submission:

Athena Diagnostics
Classification: Uncertain significance. Last evaluated: 2023-08-22. Review status: criteria provided, single submitter. Criteria: Athena Diagnostics Criteria. Collection method: clinical testing. Allele origin: unknown.
Comment: Available data are insufficient to determine the clinical significance of the variant at this time. The frequency of this variant in the general population is uninformative in assessment of its pathogenicity. Computational tools disagree on the variant's effect on normal protein function.

NM_024411.5(PDYN):c.275A>G (p.Tyr92Cys)

Genes: PDYN (prodynorphin; minus strand), PDYN-AS1 (PDYN antisense RNA 1; plus strand). Cytogenetic location: 20p13.
Variant type: single nucleotide variant.
Coding change: c.275A>G on transcript NM_024411.5 (MANE Select); coding-DNA position 275, A replaced by G.
Protein change: p.Tyr92Cys; replaces tyrosine 92 with cysteine.
Molecular consequence: missense variant.
Genome position (GRCh38, 1-based): chr20:1,980,813, T>C on the plus strand (A>G on the coding strand, the complement: PDYN is on the minus strand). VCF-style: chr20-1980813-T-C. GRCh37 (hg19) VCF-style: chr20-1961459-T-C.
Other names: c.275A>G, p.Tyr92Cys (NM_001190892.1, NM_001190898.3, NM_001190899.2 and 1 more transcripts); short protein forms Y92C.
Identifiers: ClinVar variation 2684289 (VCV002684289.1), dbSNP rs368307520, ClinGen allele CA9730324.
Genomic context (GRCh38, chr20:1,980,813, plus strand): 5'-AGAAACTTGCTTTTCTCCAGCTCCTTCAGGAATGACCCAGAGAGCTTGGCCAGCTCACTG[T>C]AGGGCCCTTCCCCAACCGACTTGCTCCCCAAGTCCTCCTTGTCATTGAGCCCAAGGGTGG-3'
Protein context (NP_077722.1, residues 82-102): LGSKSVGEGP[Tyr92Cys]SELAKLSGSF